The following is an entry in ClinVar:

ClinVar aggregate classification (germline): Likely pathogenic. Review status: criteria provided, single submitter (1 of 4 stars). 2 submissions from 2 submitters: Likely pathogenic (1). 1 of the submissions does not count toward it. Last evaluated 2024-09-30.

Conditions:
Lethal congenital contracture syndrome 2 (LCCS2). Also called: Lethal congenital contractural syndrome 2; MULTIPLE CONTRACTURE SYNDROME, ISRAELI BEDOUIN TYPE A. Identifiers: Orphanet 137776, MedGen C1843478, MONDO:0011868, OMIM 607598.

Allele frequency attached by ClinVar (database versions not stated): gnomAD exomes 0.00002; TOPMed 0.00002; gnomAD 0.00003.
gnomAD v4.1: 39 of 1,613,816 alleles (0.0024%); highest among the groups gnomAD compares: African/African-American, 0.004%; no homozygotes.

Submissions (2):

Women's Health and Genetics/Laboratory Corporation of America, LabCorp
Classification: Likely pathogenic for Lethal congenital contracture syndrome 2. Last evaluated: 2024-09-30. Review status: criteria provided, single submitter. Criteria: LabCorp Variant Classification Summary - May 2015. Collection method: clinical testing. Allele origin: germline.
Comment: Variant summary: ERBB3 c.1253T>C (p.Ile418Thr) results in a non-conservative amino acid change located in the Receptor L-domain (IPR000494) of the encoded protein sequence. Five of five in-silico tools predict a damaging effect of the variant on protein function. The variant allele was found at a frequency of 2.4e-05 in 251424 control chromosomes. c.1253T>C has been reported in the literature in trans with a truncating variant in at least 1 individual affected with clinical features of ERBB3-related conditions (example, Li_2019, Wu_2021). At least one publication reports experimental evidence evaluating an impact on protein function. The most pronounced variant effect results in <10% of normal phosphorylation cascade activity in vitro (example, Li_2019). The following publications have been ascertained in the context of this evaluation (PMID: 31752936, 33935161). ClinVar contains an entry for this variant (Variation ID: 978710). Based on the evidence outlined above, the variant was classified as likely pathogenic.

Center for Molecular Medicine, Children’s Hospital of Fudan University
Classification: Likely pathogenic for Lethal congenital contracture syndrome 2. Last evaluated: 2020-07-07. Review status: no assertion criteria provided. Collection method: clinical testing. Allele origin: maternal. Affected: yes. Not counted in ClinVar's aggregate classification.

Literature cited by the submitters: PubMed 33935161 (cited by Women's Health and Genetics/Laboratory Corporation of America, LabCorp); PubMed 31752936 (cited by Women's Health and Genetics/Laboratory Corporation of America, LabCorp).

NM_001982.4(ERBB3):c.1253T>C (p.Ile418Thr)

Gene: ERBB3 (erb-b2 receptor tyrosine kinase 3; plus strand). Cytogenetic location: 12q13.2.
Variant type: single nucleotide variant.
Coding change: c.1253T>C on transcript NM_001982.4 (MANE Select); coding-DNA position 1253, T replaced by C.
Protein change: p.Ile418Thr; replaces isoleucine 418 with threonine.
Molecular consequence: missense variant.
Genome position (GRCh38, 1-based): chr12:56,093,055, T>C. VCF-style: chr12-56093055-T-C. GRCh37 (hg19) VCF-style: chr12-56486839-T-C.
Other names: short protein forms I418T.
Identifiers: ClinVar variation 978710 (VCV000978710.5), dbSNP rs141230043, ClinGen allele CA6622232.